The following is an entry in ClinVar:

NC_000022.10:g.(?_30032720)_(30038294_?)dup

Gene: NF2 (NF2, moesin-ezrin-radixin like (MERLIN) tumor suppressor; plus strand). Cytogenetic location: 22q12.2.
Variant type: Duplication.
Identifiers: ClinVar variation 3247215 (VCV003247215.1).

ClinVar aggregate classification (germline): Uncertain significance (1 of 4 stars; one submission).

Conditions:
Neurofibromatosis, type 2 (SWNV). Also called: SCHWANNOMATOSIS, VESTIBULAR; BILATERAL ACOUSTIC NEUROFIBROMATOSIS; NF2-Related Schwannomatosis. Identifiers: Orphanet 637, MedGen C0027832, MONDO:0007039, OMIM 101000. Disease mechanism: loss of function.

Submission:

Labcorp Genetics (formerly Invitae), Labcorp
Classification: Uncertain significance for Neurofibromatosis, type 2. Last evaluated: 2023-09-25. Review status: criteria provided, single submitter. Criteria: Invitae Variant Classification Sherloc (09022015). Collection method: clinical testing. Allele origin: unknown.
Comment: This variant results in a copy number gain of the genomic region encompassing exon(s) 2-4 of the NF2 gene. While the exact position of this variant cannot be determined from the data, sub-genic copy number gains are generally in tandem (PMID: 25640679). This variant is predicted to be in-frame, and likely preserves the integrity of the reading frame. A similar copy number variant has been observed in individual(s) with neurofibromatosis, type 2 (PMID: 15645494). In summary, the available evidence is currently insufficient to determine the role of this variant in disease. Therefore, it has been classified as a Variant of Uncertain Significance.

Literature cited by the submitters: PubMed 25640679; PubMed 15645494.